The following is an entry in ClinVar:

NM_032638.5(GATA2):c.1426G>A (p.Val476Met)

Gene: GATA2 (GATA binding protein 2; minus strand). Cytogenetic location: 3q21.3.
Variant type: single nucleotide variant.
Coding change: c.1426G>A on transcript NM_032638.5 (MANE Select); coding-DNA position 1426, G replaced by A.
Protein change: p.Val476Met; replaces valine 476 with methionine.
Molecular consequence: missense variant.
Genome position (GRCh38, 1-based): chr3:128,481,036, C>T on the plus strand (G>A on the coding strand, the complement: GATA2 is on the minus strand). VCF-style: chr3-128481036-C-T. GRCh37 (hg19) VCF-style: chr3-128199879-C-T.
Other names: c.1426G>A, p.Val476Met (NM_001145661.2); c.1384G>A, p.Val462Met (NM_001145662.1); short protein forms V476M, V462M.
Identifiers: ClinVar variation 2941922 (VCV002941922.3), dbSNP rs1161135105, ClinGen allele CA354412419.

ClinVar aggregate classification (germline): Uncertain significance (1 of 4 stars; one submission).

Conditions:
Deafness-lymphedema-leukemia syndrome. Also called: Lymphedema, primary, with myelodysplasia; Emberger syndrome. Identifiers: Orphanet 3226, MedGen C3279664, MONDO:0013540, OMIM 614038.
Monocytopenia with susceptibility to infections. Also called: MONOCYTOPENIA AND MYCOBACTERIAL INFECTION SYNDROME; MONOCYTOPENIA WITH SUSCEPTIBILITY TO MYCOBACTERIAL, FUNGAL, AND PAPILLOMAVIRUS INFECTIONS AND MYELODYSPLASIA; COMBINED IMMUNODEFICIENCY WITH SUSCEPTIBILITY TO MYCOBACTERIAL, VIRAL, AND FUNGAL INFECTIONS; Dendritic cell, monocyte, B lymphocyte, and natural killer lymphocyte deficiency; IMMUNODEFICIENCY 21; GATA2 DEFICIENCY. Identifiers: Orphanet 228423, MedGen C3280030, MONDO:0013607, OMIM 614172.

Submission:

Labcorp Genetics (formerly Invitae), Labcorp
Classification: Uncertain significance for Monocytopenia with susceptibility to infections; Deafness-lymphedema-leukemia syndrome. Last evaluated: 2024-08-21. Review status: criteria provided, single submitter. Criteria: Invitae Variant Classification Sherloc (09022015). Collection method: clinical testing. Allele origin: germline.
Comment: This sequence change replaces valine, which is neutral and non-polar, with methionine, which is neutral and non-polar, at codon 476 of the GATA2 protein (p.Val476Met). This variant is not present in population databases (gnomAD no frequency). This variant has not been reported in the literature in individuals affected with GATA2-related conditions. Invitae Evidence Modeling of protein sequence and biophysical properties (such as structural, functional, and spatial information, amino acid conservation, physicochemical variation, residue mobility, and thermodynamic stability) has been performed for this missense variant. However, the output from this modeling did not meet the statistical confidence thresholds required to predict the impact of this variant on GATA2 protein function. In summary, the available evidence is currently insufficient to determine the role of this variant in disease. Therefore, it has been classified as a Variant of Uncertain Significance.